The following is an entry in ClinVar:

ClinVar aggregate classification (germline): Uncertain significance. Review status: criteria provided, multiple submitters, no conflicts (2 of 4 stars). 5 submissions from 5 submitters: Uncertain significance (4). 1 of the submissions does not count toward it. Last evaluated 2023-08-11.

Conditions:
Hereditary breast ovarian cancer syndrome. Also called: Hereditary breast and ovarian cancer syndrome (HBOC); Breast and ovarian cancer; Hereditary breast and ovarian cancer syndrome; Hereditary breast and ovarian cancer; BRCA1- and BRCA2-Associated Hereditary Breast and Ovarian Cancer; Hereditary breast and/or ovarian cancer syndrome. Identifiers: Orphanet 145, MedGen C0677776, MeSH D061325, MONDO:0003582. Disease mechanism: loss of function.
Hereditary cancer-predisposing syndrome. Also called: Neoplastic Syndromes, Hereditary; Hereditary Cancer Syndrome; Tumor predisposition; Hereditary neoplastic syndrome. Identifiers: Orphanet 140162, MedGen C0027672, MeSH D009386, MONDO:0015356.
Familial cancer of breast. Also called: hereditary breast carcinoma; BREAST CANCER, FAMILIAL; Hereditary breast cancer. Identifiers: Orphanet 227535, MedGen C0346153, MONDO:0016419, OMIM 114480. Disease mechanism: loss of function.
Fanconi anemia complementation group J. Also called: BRIP1-Related Fanconi Anemia. Identifiers: Orphanet 84, MedGen C1836860, MONDO:0012187, OMIM 609054.

Submissions (5):

Labcorp Genetics (formerly Invitae), Labcorp
Classification: Uncertain significance for Familial cancer of breast; Fanconi anemia complementation group J. Last evaluated: 2023-08-11. Review status: criteria provided, single submitter. Criteria: Invitae Variant Classification Sherloc (09022015). Collection method: clinical testing. Allele origin: germline.
Comment: ClinVar contains an entry for this variant (Variation ID: 584970). This variant has not been reported in the literature in individuals affected with BRIP1-related conditions. This variant is not present in population databases (gnomAD no frequency). This sequence change replaces threonine, which is neutral and polar, with serine, which is neutral and polar, at codon 476 of the BRIP1 protein (p.Thr476Ser). Advanced modeling of protein sequence and biophysical properties (such as structural, functional, and spatial information, amino acid conservation, physicochemical variation, residue mobility, and thermodynamic stability) performed at Invitae indicates that this missense variant is not expected to disrupt BRIP1 protein function. In summary, the available evidence is currently insufficient to determine the role of this variant in disease. Therefore, it has been classified as a Variant of Uncertain Significance.

Ambry Genetics
Classification: Uncertain significance for Hereditary cancer-predisposing syndrome. Last evaluated: 2022-02-11. Review status: criteria provided, single submitter. Criteria: Ambry Variant Classification Scheme 2023. Collection method: clinical testing. Allele origin: germline.
Comment: The p.T476S variant (also known as c.1427C>G), located in coding exon 9 of the BRIP1 gene, results from a C to G substitution at nucleotide position 1427. The threonine at codon 476 is replaced by serine, an amino acid with similar properties. This alteration has been reported with a carrier frequency of 0.00026 in 7,636 unselected prostate cancer patients and 0.00024 in 12,366 male controls of Japanese ancestry (Momozawa Y et al. J Natl Cancer Inst, 2020 04;112:369-376). This amino acid position is poorly conserved in available vertebrate species. In addition, this alteration is predicted to be tolerated by in silico analysis. Since supporting evidence is limited at this time, the clinical significance of this alteration remains unclear.

Mendelics
Classification: Uncertain significance for Familial cancer of breast. Last evaluated: 2019-05-28. Review status: criteria provided, single submitter. Criteria: Mendelics Assertion Criteria 2017. Collection method: clinical testing. Allele origin: unknown.

Cancer Genomics Group, Japanese Foundation For Cancer Research
Classification: Uncertain significance for Hereditary breast and ovarian cancer syndrome. Last evaluated: 2019-05-01. Review status: criteria provided, single submitter. Criteria: ACMG Guidelines, 2015. Collection method: research. Allele origin: germline. Affected: yes.

Leiden Open Variation Database
Classification: Uncertain significance. Last evaluated: 2019-08-13. Review status: no assertion criteria provided. Collection method: curation. Allele origin: germline. Affected: yes. Not counted in ClinVar's aggregate classification.
Comment: Curator: Arleen D. Auerbach. Submitter to LOVD: Yukihide Momozawa.

Literature cited by the submitters: PubMed 31214711 (cited by Ambry Genetics and Leiden Open Variation Database).

NM_032043.3(BRIP1):c.1427C>G (p.Thr476Ser)

Gene: BRIP1 (BRCA1 interacting DNA helicase 1; minus strand). Cytogenetic location: 17q23.2.
Variant type: single nucleotide variant.
Coding change: c.1427C>G on transcript NM_032043.3 (MANE Select); coding-DNA position 1427, C replaced by G.
Protein change: p.Thr476Ser; replaces threonine 476 with serine.
Molecular consequence: missense variant.
Genome position (GRCh38, 1-based): chr17:61,793,643, G>C on the plus strand (C>G on the coding strand, the complement: BRIP1 is on the minus strand). VCF-style: chr17-61793643-G-C. GRCh37 (hg19) VCF-style: chr17-59871004-G-C.
Other names: short protein forms T476S.
Identifiers: ClinVar variation 584970 (VCV000584970.19), dbSNP rs1567825164, ClinGen allele CA400482126.